The following is an entry in ClinVar:

ClinVar aggregate classification (germline): Uncertain significance (1 of 4 stars; one submission).

gnomAD v4.1: 4 of 1,610,070 alleles (0.00025%); highest among the groups gnomAD compares: Non-Finnish European, 0.00034%; no homozygotes.

Submission:

Labcorp Genetics (formerly Invitae), Labcorp
Classification: Uncertain significance. Last evaluated: 2022-12-25. Review status: criteria provided, single submitter. Criteria: Invitae Variant Classification Sherloc (09022015). Collection method: clinical testing. Allele origin: germline.
Comment: Variants that disrupt the consensus splice site are a relatively common cause of aberrant splicing (PMID: 17576681, 9536098). Algorithms developed to predict the effect of sequence changes on RNA splicing suggest that this variant is not likely to affect RNA splicing. This variant has not been reported in the literature in individuals affected with CDC6-related conditions. This variant is not present in population databases (gnomAD no frequency). This sequence change falls in intron 4 of the CDC6 gene. It does not directly change the encoded amino acid sequence of the CDC6 protein. It affects a nucleotide within the consensus splice site. In summary, the available evidence is currently insufficient to determine the role of this variant in disease. Therefore, it has been classified as a Variant of Uncertain Significance.

Literature cited by the submitters: PubMed 17576681; PubMed 9536098.

NM_001254.4(CDC6):c.660+5A>T

Gene: CDC6 (cell division cycle 6; plus strand). Cytogenetic location: 17q21.2.
Variant type: single nucleotide variant.
Coding change: c.660+5A>T on transcript NM_001254.4 (MANE Select); 5 bases into the intron after coding-DNA position 660, A replaced by T.
Molecular consequence: intron variant.
Genome position (GRCh38, 1-based): chr17:40,291,673, A>T. VCF-style: chr17-40291673-A-T. GRCh37 (hg19) VCF-style: chr17-38447925-A-T.
Identifiers: ClinVar variation 3019832 (VCV003019832.3), dbSNP rs942894434, ClinGen allele CA2637716107.